The following is an entry in ClinVar:

NM_000051.4(ATM):c.1778C>T (p.Thr593Ile)

Gene: ATM (ATM serine/threonine kinase; plus strand). Cytogenetic location: 11q22.3.
Variant type: single nucleotide variant.
Coding change: c.1778C>T on transcript NM_000051.4 (MANE Select); coding-DNA position 1778, C replaced by T.
Protein change: p.Thr593Ile; replaces threonine 593 with isoleucine.
Molecular consequence: missense variant.
Genome position (GRCh38, 1-based): chr11:108,252,007, C>T. VCF-style: chr11-108252007-C-T. GRCh37 (hg19) VCF-style: chr11-108122734-C-T.
Other names: c.1778C>T, p.Thr593Ile (NM_001351834.2); c.1778C>T (NM_000051.3); short protein forms T593I.
Identifiers: ClinVar variation 1436662 (VCV001436662.6), dbSNP rs2135343992, ClinGen allele CA382535497.

ClinVar aggregate classification (germline): Uncertain significance. Review status: criteria provided, multiple submitters, no conflicts (2 of 4 stars). 2 submissions from 2 submitters: Uncertain significance (2). Last evaluated 2026-06-04.

Conditions:
Ataxia-telangiectasia syndrome (AT). Also called: Ataxia-telangiectasia, complementation group D; ATAXIA-TELANGIECTASIA, COMPLEMENTATION GROUP A; ATAXIA-TELANGIECTASIA, FRESNO VARIANT; Ataxia-telangiectasia; AT, COMPLEMENTATION GROUP C; LOUIS-BAR SYNDROME. Identifiers: Orphanet 100, MedGen C0004135, MONDO:0008840, OMIM 208900.
Hereditary cancer-predisposing syndrome. Also called: Tumor predisposition; Neoplastic Syndromes, Hereditary; Hereditary Cancer Syndrome; Hereditary neoplastic syndrome. Identifiers: Orphanet 140162, MedGen C0027672, MeSH D009386, MONDO:0015356.

Submissions (2):

Ambry Genetics
Classification: Uncertain significance for Hereditary cancer-predisposing syndrome. Last evaluated: 2026-06-04. Review status: criteria provided, single submitter. Criteria: Ambry Variant Classification Scheme 2023. Collection method: clinical testing. Allele origin: germline.
Comment: The p.T593I variant (also known as c.1778C>T), located in coding exon 10 of the ATM gene, results from a C to T substitution at nucleotide position 1778. The threonine at codon 593 is replaced by isoleucine, an amino acid with similar properties. In an assay testing ATM function, this variant showed a functionally normal result (Lee KS et al. Cell, 2025 Sep;188:5081-5099.e27). This amino acid position is not well conserved in available vertebrate species. In addition, this alteration is predicted to be tolerated by in silico analysis. Based on the available evidence, the clinical significance of this variant remains unclear.

Labcorp Genetics (formerly Invitae), Labcorp
Classification: Uncertain significance for Ataxia-telangiectasia syndrome. Last evaluated: 2021-09-02. Review status: criteria provided, single submitter. Criteria: Invitae Variant Classification Sherloc (09022015). Collection method: clinical testing. Allele origin: germline.
Comment: This sequence change replaces threonine with isoleucine at codon 593 of the ATM protein (p.Thr593Ile). The threonine residue is weakly conserved and there is a moderate physicochemical difference between threonine and isoleucine. This variant is not present in population databases (ExAC no frequency). This variant has not been reported in the literature in individuals affected with ATM-related conditions. Advanced modeling of protein sequence and biophysical properties (such as structural, functional, and spatial information, amino acid conservation, physicochemical variation, residue mobility, and thermodynamic stability) performed at Invitae indicates that this missense variant is not expected to disrupt ATM protein function. In summary, the available evidence is currently insufficient to determine the role of this variant in disease. Therefore, it has been classified as a Variant of Uncertain Significance.

Literature cited by the submitters: PubMed 40580951 (cited by Ambry Genetics).